The following is an entry in ClinVar:

ClinVar aggregate classification (germline): Uncertain significance (1 of 4 stars; one submission).

Allele frequency attached by ClinVar (database versions not stated): gnomAD exomes below 0.00001.
gnomAD v4.1: 2 of 1,614,152 alleles (0.00012%); highest among the groups gnomAD compares: East Asian, 0.0045%; no homozygotes.

Submission:

Labcorp Genetics (formerly Invitae), Labcorp
Classification: Uncertain significance. Last evaluated: 2025-06-09. Review status: criteria provided, single submitter. Criteria: Invitae Variant Classification Sherloc (09022015). Collection method: clinical testing. Allele origin: germline.
Comment: This sequence change replaces proline, which is neutral and non-polar, with alanine, which is neutral and non-polar, at codon 279 of the COL18A1 protein (p.Pro279Ala). This variant is present in population databases (no rsID available, gnomAD 0.01%). This variant has not been reported in the literature in individuals affected with COL18A1-related conditions. ClinVar contains an entry for this variant (Variation ID: 2977469). Experimental studies and prediction algorithms are not available or were not evaluated, and the functional significance of this variant is currently unknown. In summary, the available evidence is currently insufficient to determine the role of this variant in disease. Therefore, it has been classified as a Variant of Uncertain Significance.

NM_001379500.1(COL18A1):c.835C>G (p.Pro279Ala)

Gene: COL18A1 (collagen type XVIII alpha 1 chain; plus strand). Cytogenetic location: 21q22.3.
Variant type: single nucleotide variant.
Coding change: c.835C>G on transcript NM_001379500.1 (MANE Select); coding-DNA position 835, C replaced by G.
Protein change: p.Pro279Ala; replaces proline 279 with alanine.
Molecular consequence: missense variant.
Genome position (GRCh38, 1-based): chr21:45,476,387, C>G. VCF-style: chr21-45476387-C-G. GRCh37 (hg19) VCF-style: chr21-46896301-C-G.
Other names: c.1375C>G, p.Pro459Ala (NM_030582.4); c.2080C>G, p.Pro694Ala (NM_130444.3); short protein forms P694A, P279A, P459A.
Identifiers: ClinVar variation 2977469 (VCV002977469.3), dbSNP rs1405963989, ClinGen allele CA410514363.